The following is an entry in ClinVar:

ClinVar aggregate classification (germline): Uncertain significance (1 of 4 stars; one submission).

Conditions:
Inborn genetic diseases. Identifiers: MedGen C0950123, MeSH D030342.

gnomAD v4.1: 1 of 1,524,562 alleles (0.000066%); highest among the groups gnomAD compares: African/African-American, 0.0014%; no homozygotes.

Submission:

Ambry Genetics
Classification: Uncertain significance for Inborn genetic diseases. Last evaluated: 2023-10-11. Review status: criteria provided, single submitter. Criteria: Ambry Variant Classification Scheme 2023. Collection method: clinical testing. Allele origin: germline.
Comment: The c.890A>T (p.Y297F) alteration is located in exon 1 (coding exon 1) of the SOX4 gene. This alteration results from an A to T substitution at nucleotide position 890, causing the tyrosine (Y) at amino acid position 297 to be replaced by a phenylalanine (F). This variant was not reported in population-based cohorts in the Genome Aggregation Database (gnomAD). This amino acid position is not well conserved in available vertebrate species. This alteration is predicted to be tolerated by in silico analysis. Based on insufficient or conflicting evidence, the clinical significance of this alteration remains unclear.

NM_003107.3(SOX4):c.890A>T (p.Tyr297Phe)

Gene: SOX4 (SRY-box transcription factor 4; plus strand). Cytogenetic location: 6p22.3.
Variant type: single nucleotide variant.
Coding change: c.890A>T on transcript NM_003107.3 (MANE Select); coding-DNA position 890, A replaced by T.
Protein change: p.Tyr297Phe; replaces tyrosine 297 with phenylalanine.
Molecular consequence: missense variant.
Genome position (GRCh38, 1-based): chr6:21,595,424, A>T. VCF-style: chr6-21595424-A-T. GRCh37 (hg19) VCF-style: chr6-21595655-A-T.
Other names: short protein forms Y297F.
Identifiers: ClinVar variation 3167790 (VCV003167790.1), dbSNP rs2532640875, ClinGen allele CA363271529.